The following is an entry in ClinVar:

ClinVar aggregate classification (germline): Uncertain significance. Review status: criteria provided, multiple submitters, no conflicts (2 of 4 stars). 2 submissions from 2 submitters: Uncertain significance (2). Last evaluated 2026-01-19.

Conditions:
Inborn genetic diseases. Identifiers: MedGen C0950123, MeSH D030342.
Early-infantile DEE. Also called: Early infantile epileptic encephalopathy with suppression bursts; Early infantile epileptic encephalopathy; Ohtahara syndrome. Identifiers: Orphanet 1934, MedGen C0393706, MONDO:0800491.

Allele frequency attached by ClinVar (database versions not stated): TOPMed 0.00005; gnomAD 0.00007; gnomAD exomes 0.00008.
gnomAD v4.1: 122 of 1,534,370 alleles (0.008%); highest among the groups gnomAD compares: Non-Finnish European, 0.01%; no homozygotes.

Submissions (2):

Labcorp Genetics (formerly Invitae), Labcorp
Classification: Uncertain significance for Early-infantile DEE. Last evaluated: 2026-01-19. Review status: criteria provided, single submitter. Criteria: Invitae Variant Classification Sherloc (09022015). Collection method: clinical testing. Allele origin: germline.
Comment: This sequence change replaces proline, which is neutral and non-polar, with serine, which is neutral and polar, at codon 962 of the KCNH5 protein (p.Pro962Ser). This variant is present in population databases (rs202223175, gnomAD 0.003%). This variant has not been reported in the literature in individuals affected with KCNH5-related conditions. ClinVar contains an entry for this variant (Variation ID: 461394). Invitae Evidence Modeling of protein sequence and biophysical properties (such as structural, functional, and spatial information, amino acid conservation, physicochemical variation, residue mobility, and thermodynamic stability) indicates that this missense variant is not expected to disrupt KCNH5 protein function with a negative predictive value of 95%. In summary, the available evidence is currently insufficient to determine the role of this variant in disease. Therefore, it has been classified as a Variant of Uncertain Significance.

Ambry Genetics
Classification: Uncertain significance for Inborn genetic diseases. Last evaluated: 2024-12-23. Review status: criteria provided, single submitter. Criteria: Ambry Variant Classification Scheme 2023. Collection method: clinical testing. Allele origin: germline.

NM_139318.5(KCNH5):c.2884C>T (p.Pro962Ser)

Gene: KCNH5 (potassium voltage-gated channel subfamily H member 5; minus strand). Cytogenetic location: 14q23.2.
Variant type: single nucleotide variant.
Coding change: c.2884C>T on transcript NM_139318.5 (MANE Select); coding-DNA position 2884, C replaced by T.
Protein change: p.Pro962Ser; replaces proline 962 with serine.
Molecular consequence: missense variant. On other transcripts: 3 prime UTR variant (1).
Genome position (GRCh38, 1-based): chr14:62,707,591, G>A on the plus strand (C>T on the coding strand, the complement: KCNH5 is on the minus strand). VCF-style: chr14-62707591-G-A. GRCh37 (hg19) VCF-style: chr14-63174309-G-A.
Other names: c.*851C>T (NM_172375.3); c.2884C>T (NM_139318.3); short protein forms P962S.
Identifiers: ClinVar variation 461394 (VCV000461394.13), dbSNP rs202223175, ClinGen allele CA7217164.